The following is an entry in ClinVar:

NM_000744.7(CHRNA4):c.383+464G>C

Genes: CHRNA4 (cholinergic receptor nicotinic alpha 4 subunit; minus strand), LOC126863087 (P300/CBP strongly-dependent group 1 enhancer GRCh37_chr20:61986832-61988031; plus strand). Cytogenetic location: 20q13.33.
Variant type: single nucleotide variant.
Coding change: c.383+464G>C on transcript NM_000744.7 (MANE Select); 464 bases into the intron after coding-DNA position 383, G replaced by C.
Molecular consequence: intron variant.
Genome position (GRCh38, 1-based): chr20:63,355,511, C>G on the plus strand (G>C on the coding strand, the complement: CHRNA4 is on the minus strand). VCF-style: chr20-63355511-C-G. GRCh37 (hg19) VCF-style: chr20-61986863-C-G.
Other names: c.-146+446G>C (NM_001256573.2).
Identifiers: ClinVar variation 3255314 (VCV003255314.3), dbSNP rs45473291.
Genomic context (GRCh38, chr20:63,355,511, plus strand): 5'-AAGCAGAGGCCCTAGTGGCATGAGAACCATCTGGGGCTTCCTCACCCCTCTCCAGGGCAC[C>G]CTGCAGTCCACACTATTCTCCCAGAAAGGCCAGGATGGGGTCTGATGGCGAAAAGCACTC-3'

ClinVar aggregate classification (germline): Benign. Review status: criteria provided, multiple submitters, no conflicts (2 of 4 stars). 2 submissions from 2 submitters: Benign (2). Last evaluated 2024-07-15.

Allele frequency attached by ClinVar (database versions not stated): TOPMed 0.09722; 1000 Genomes Project 0.11961; 1000 Genomes Project 30x 0.12055; ExAC 0.13516.
gnomAD v4.1: 101,783 of 1,290,014 alleles (7.9%); highest among the groups gnomAD compares: Middle Eastern, 18%; 4,751 homozygotes.

Submissions (2):

Unidad de Genómica Garrahan, Hospital de Pediatría Garrahan
Classification: Benign. Last evaluated: 2024-07-15. Review status: criteria provided, single submitter. Criteria: ACMG Guidelines, 2015. Collection method: clinical testing. Allele origin: germline. Affected: no. Observed: 19 variant alleles.
Comment: This variant is classified as Benign based on local population frequency. This variant was detected in 20% of patients studied in a panel designed for Epileptic and Developmental Encephalopathy and Progressive Myoclonus Epilepsy. Number of patients: 19. Only high quality variants are reported.

Blueprint Genetics
Classification: Benign. Last evaluated: 2023-03-24. Review status: criteria provided, single submitter. Criteria: ACMG Guidelines, 2015. Collection method: clinical testing. Allele origin: germline.